The following is an entry in ClinVar:

ClinVar aggregate classification (germline): Conflicting classifications of pathogenicity. Review status: criteria provided, conflicting classifications (1 of 4 stars). 2 submissions from 2 submitters: Uncertain significance (1); Likely benign (1). Last evaluated 2025-11-17.

Allele frequency attached by ClinVar (database versions not stated): TOPMed below 0.00001.

Submissions (2):

Labcorp Genetics (formerly Invitae), Labcorp
Classification: Uncertain significance. Last evaluated: 2025-11-17. Review status: criteria provided, single submitter. Criteria: Invitae Variant Classification Sherloc (09022015). Collection method: clinical testing. Allele origin: germline.
Comment: This sequence change replaces lysine, which is basic and polar, with arginine, which is basic and polar, at codon 414 of the GALNT12 protein (p.Lys414Arg). This variant is not present in population databases (gnomAD no frequency). This variant has not been reported in the literature in individuals affected with GALNT12-related conditions. ClinVar contains an entry for this variant (Variation ID: 665358). Invitae Evidence Modeling of protein sequence and biophysical properties (such as structural, functional, and spatial information, amino acid conservation, physicochemical variation, residue mobility, and thermodynamic stability) indicates that this missense variant is not expected to disrupt GALNT12 protein function with a negative predictive value of 80%. In summary, the available evidence is currently insufficient to determine the role of this variant in disease. Therefore, it has been classified as a Variant of Uncertain Significance.

Ambry Genetics
Classification: Likely benign. Last evaluated: 2020-12-16. Review status: criteria provided, single submitter. Criteria: Ambry Variant Classification Scheme 2023. Collection method: clinical testing. Allele origin: germline.

NM_024642.5(GALNT12):c.1241A>G (p.Lys414Arg)

Gene: GALNT12 (polypeptide N-acetylgalactosaminyltransferase 12; plus strand). Cytogenetic location: 9q22.33.
Variant type: single nucleotide variant.
Coding change: c.1241A>G on transcript NM_024642.5 (MANE Select); coding-DNA position 1241, A replaced by G.
Protein change: p.Lys414Arg; replaces lysine 414 with arginine.
Molecular consequence: missense variant.
Genome position (GRCh38, 1-based): chr9:98,840,030, A>G. VCF-style: chr9-98840030-A-G. GRCh37 (hg19) VCF-style: chr9-101602312-A-G.
Other names: short protein forms K414R.
Identifiers: ClinVar variation 665358 (VCV000665358.11), dbSNP rs892227579, ClinGen allele CA196829587.